The following is an entry in ClinVar:

ClinVar aggregate classification (germline): Likely benign (1 of 4 stars; one submission).

Allele frequency attached by ClinVar (database versions not stated): gnomAD 0.00002 and 0.00003; gnomAD exomes 0.00002; TOPMed 0.00003.
gnomAD v4.1: 24 of 1,207,326 alleles (0.002%); highest among the groups gnomAD compares: African/African-American, 0.007%; no homozygotes.

Submission:

GeneDx
Classification: Likely benign. Last evaluated: 2018-01-23. Review status: criteria provided, single submitter. Criteria: GeneDx Variant Classification (06012015). Collection method: clinical testing. Allele origin: germline. Affected: yes.
Comment: This variant is considered likely benign or benign based on one or more of the following criteria: it is a conservative change, it occurs at a poorly conserved position in the protein, it is predicted to be benign by multiple in silico algorithms, and/or has population frequency not consistent with disease.

NM_000292.3(PHKA2):c.3132G>A (p.Ser1044=)

Gene: PHKA2 (phosphorylase kinase regulatory subunit alpha 2; minus strand). Cytogenetic location: Xp22.13.
Variant type: single nucleotide variant.
Coding change: c.3132G>A on transcript NM_000292.3 (MANE Select); coding-DNA position 3132, G replaced by A.
Protein change: p.Ser1044=; no amino-acid change (serine 1044 retained).
Molecular consequence: synonymous variant.
Genome position (GRCh38, 1-based): chrX:18,897,313, C>T on the plus strand (G>A on the coding strand, the complement: PHKA2 is on the minus strand). VCF-style: chrX-18897313-C-T. GRCh37 (hg19) VCF-style: chrX-18915431-C-T.
Identifiers: ClinVar variation 514799 (VCV000514799.1), dbSNP rs376018294, ClinGen allele CA10361407.